The following is an entry in ClinVar:

ClinVar aggregate classification (germline): Uncertain significance (1 of 4 stars; one submission).

Conditions:
Long QT syndrome (LQTS). Identifiers: MedGen C0023976, MeSH D008133, MONDO:0002442. Disease mechanism: loss of function. Inheritance: Various modes of inheritance.

gnomAD v4.1: 3 of 1,597,618 alleles (0.00019%); no homozygotes.

Submission:

Labcorp Genetics (formerly Invitae), Labcorp
Classification: Uncertain significance for Long QT syndrome. Last evaluated: 2025-03-27. Review status: criteria provided, single submitter. Criteria: Invitae Variant Classification Sherloc (09022015). Collection method: clinical testing. Allele origin: germline.
Comment: This sequence change replaces arginine, which is basic and polar, with histidine, which is basic and polar, at codon 97 of the KCNQ1 protein (p.Arg97His). This variant is not present in population databases (gnomAD no frequency). This variant has not been reported in the literature in individuals affected with KCNQ1-related conditions. Invitae Evidence Modeling of protein sequence and biophysical properties (such as structural, functional, and spatial information, amino acid conservation, physicochemical variation, residue mobility, and thermodynamic stability) indicates that this missense variant is not expected to disrupt KCNQ1 protein function with a negative predictive value of 95%. In summary, the available evidence is currently insufficient to determine the role of this variant in disease. Therefore, it has been classified as a Variant of Uncertain Significance.

NM_000218.3(KCNQ1):c.290G>A (p.Arg97His)

Gene: KCNQ1 (potassium voltage-gated channel subfamily Q member 1; plus strand). Cytogenetic location: 11p15.5.
Variant type: single nucleotide variant.
Coding change: c.290G>A on transcript NM_000218.3 (MANE Select); coding-DNA position 290, G replaced by A.
Protein change: p.Arg97His; replaces arginine 97 with histidine.
Molecular consequence: missense variant. On other transcripts: 5 prime UTR variant (1).
Genome position (GRCh38, 1-based): chr11:2,445,388, G>A. VCF-style: chr11-2445388-G-A. GRCh37 (hg19) VCF-style: chr11-2466618-G-A.
Other names: c.290G>A, p.Arg97His (NM_001406836.1, NM_001406838.1); c.-73G>A (NM_001406837.1); short protein forms R97H.
Identifiers: ClinVar variation 4750346 (VCV004750346.1).